The following is an entry in ClinVar:

ClinVar aggregate classification (germline): Uncertain significance (1 of 4 stars; one submission).

Conditions:
Mitochondrial DNA depletion syndrome, encephalomyopathic form with methylmalonic aciduria (MTDPS5). Also called: MITOCHONDRIAL DNA DEPLETION SYNDROME, ENCEPHALOMYOPATHIC FORM, WITH OR WITHOUT METHYLMALONIC ACIDURIA, AUTOSOMAL RECESSIVE, SUCLA2-RELATED; Mitochondrial DNA depletion syndrome 5 (encephalomyopathic with or without methylmalonic aciduria); Mitochondrial encephalomyopathy aminoacidopathy; SUCLA2-Related Mitochondrial DNA Depletion Syndrome, Encephalomyopathic Form with Methylmalonic Aciduria. Identifiers: Orphanet 1933, MedGen C5980207, MONDO:0012791, OMIM 612073.

gnomAD v4.1: 2 of 1,613,884 alleles (0.00012%); no homozygotes.

Submission:

Labcorp Genetics (formerly Invitae), Labcorp
Classification: Uncertain significance for Mitochondrial DNA depletion syndrome, encephalomyopathic form with methylmalonic aciduria. Last evaluated: 2025-04-21. Review status: criteria provided, single submitter. Criteria: Invitae Variant Classification Sherloc (09022015). Collection method: clinical testing. Allele origin: germline.
Comment: This sequence change replaces aspartic acid, which is acidic and polar, with glutamic acid, which is acidic and polar, at codon 293 of the SUCLA2 protein (p.Asp293Glu). This variant is not present in population databases (gnomAD no frequency). This variant has not been reported in the literature in individuals affected with SUCLA2-related conditions. Invitae Evidence Modeling of protein sequence and biophysical properties (such as structural, functional, and spatial information, amino acid conservation, physicochemical variation, residue mobility, and thermodynamic stability) indicates that this missense variant is not expected to disrupt SUCLA2 protein function with a negative predictive value of 80%. In summary, the available evidence is currently insufficient to determine the role of this variant in disease. Therefore, it has been classified as a Variant of Uncertain Significance.

NM_003850.3(SUCLA2):c.879C>G (p.Asp293Glu)

Gene: SUCLA2 (succinate-CoA ligase ADP-forming subunit beta; minus strand). Cytogenetic location: 13q14.2.
Variant type: single nucleotide variant.
Coding change: c.879C>G on transcript NM_003850.3 (MANE Select); coding-DNA position 879, C replaced by G.
Protein change: p.Asp293Glu; replaces aspartic acid 293 with glutamic acid.
Molecular consequence: missense variant.
Genome position (GRCh38, 1-based): chr13:47,954,481, G>C on the plus strand (C>G on the coding strand, the complement: SUCLA2 is on the minus strand). VCF-style: chr13-47954481-G-C. GRCh37 (hg19) VCF-style: chr13-48528616-G-C.
Other names: short protein forms D293E.
Identifiers: ClinVar variation 4779334 (VCV004779334.1).